The following is an entry in ClinVar:

ClinVar aggregate classification (germline): Pathogenic (1 of 4 stars; one submission).

Conditions:
Intellectual disability, X-linked, with or without seizures, ARX-related. Also called: MENTAL RETARDATION, X-LINKED 29; MENTAL RETARDATION, X-LINKED 32; MENTAL RETARDATION, X-LINKED 33; MENTAL RETARDATION, X-LINKED 38; MENTAL RETARDATION, X-LINKED 43; MENTAL RETARDATION, X-LINKED 76. Identifiers: Orphanet 777, MedGen C0796244, MONDO:0010317, OMIM 300419.
Developmental and epileptic encephalopathy, 1 (DEE1). Also called: X-linked infantile spasms; West's syndrome; Tonic spasms with clustering, arrest of psychomotor development and hypsarrhythmia on EEG; X-Linked Infantile Spasm Syndrome; OHTAHARA SYNDROME, X-LINKED; INFANTILE SPASM SYNDROME, X-LINKED 1. Identifiers: MedGen C3463992, MONDO:0010632, OMIM 308350. Disease mechanism: loss of function.

Submission:

Labcorp Genetics (formerly Invitae), Labcorp
Classification: Pathogenic for Developmental and epileptic encephalopathy, 1; Intellectual disability, X-linked, with or without seizures, ARX-related. Last evaluated: 2025-08-04. Review status: criteria provided, single submitter. Criteria: Invitae Variant Classification Sherloc (09022015). Collection method: clinical testing. Allele origin: germline.
Comment: This sequence change creates a premature translational stop signal (p.Trp375*) in the ARX gene. It is expected to result in an absent or disrupted protein product. Loss-of-function variants in ARX are known to be pathogenic (PMID: 19439424, 19738637). This variant is not present in population databases (gnomAD no frequency). This variant has not been reported in the literature in individuals affected with ARX-related conditions. For these reasons, this variant has been classified as Pathogenic.

Literature cited by the submitters: PubMed 19439424; PubMed 19738637.

NM_139058.3(ARX):c.1124G>A (p.Trp375Ter)

Gene: ARX (aristaless related homeobox; minus strand). Cytogenetic location: Xp21.3.
Variant type: single nucleotide variant.
Coding change: c.1124G>A on transcript NM_139058.3 (MANE Select); coding-DNA position 1124, G replaced by A.
Protein change: p.Trp375Ter; replaces tryptophan 375 with a stop codon.
Molecular consequence: nonsense.
Genome position (GRCh38, 1-based): chrX:25,007,435, C>T on the plus strand (G>A on the coding strand, the complement: ARX is on the minus strand). VCF-style: chrX-25007435-C-T. GRCh37 (hg19) VCF-style: chrX-25025552-C-T.
Other names: short protein forms W375*.
Identifiers: ClinVar variation 4785782 (VCV004785782.1).
Genomic context (GRCh38, chrX:25,007,435, plus strand): 5'-GGGTGGGTCTGCGCGCCTGCCTTCTCCCGCTTGCGCCACTTGGCCCGACGGTTCTGGAAC[C>T]AGACCTGCAAGGCAGAGAGAGCCCAGGGTCGGCGCGGCTCGGCCCGGCGGGCGCACCGGG-3'